The following is an entry in ClinVar:

ClinVar aggregate classification (germline): Benign. Review status: criteria provided, multiple submitters, no conflicts (2 of 4 stars). 3 submissions from 2 submitters: Benign (3). Last evaluated 2018-07-02.

Conditions:
Familial spontaneous pneumothorax (PSP). Identifiers: Orphanet 2903, MedGen C1868193, MONDO:0008259, OMIM 173600.
Birt-Hogg-Dube syndrome. Also called: Birt Hogg Dubé syndrome. Identifiers: Orphanet 122, MedGen C0346010, MONDO:0800444.

Allele frequency attached by ClinVar (database versions not stated): gnomAD 0.01536 and 0.01648; TOPMed 0.01603; 1000 Genomes Project 0.01837; 1000 Genomes Project 30x 0.01843.

Submissions (3):

GeneDx
Classification: Benign. Last evaluated: 2018-07-02. Review status: criteria provided, single submitter. Criteria: GeneDx Variant Classification Process June 2021. Collection method: clinical testing. Allele origin: germline. Affected: yes.

Illumina Laboratory Services, Illumina
Classification: Benign for Familial spontaneous pneumothorax. Last evaluated: 2018-01-13. Review status: criteria provided, single submitter. Criteria: ICSL Variant Classification Criteria 13 December 2019. Collection method: clinical testing. Allele origin: germline.
Comment: This variant was observed in the ICSL laboratory as part of a predisposition screen in an ostensibly healthy population. It had not been previously curated by ICSL or reported in the Human Gene Mutation Database (HGMD: prior to June 1st, 2018), and was therefore a candidate for classification through an automated scoring system. Utilizing variant allele frequency, disease prevalence and penetrance estimates, and inheritance mode, an automated score was calculated to assess if this variant is too frequent to cause the disease. Based on the score and internal cut-off values, a variant classified as benign is not then subjected to further curation. The score for this variant resulted in a classification of benign for this disease.

Illumina Laboratory Services, Illumina
Classification: Benign for Birt-Hogg-Dube syndrome 1. Last evaluated: 2018-01-13. Review status: criteria provided, single submitter. Criteria: ICSL Variant Classification Criteria 13 December 2019. Collection method: clinical testing. Allele origin: germline.
Comment: the same text as in the submission from Illumina Laboratory Services, Illumina above.

NM_144997.7(FLCN):c.-78G>C

Gene: FLCN (folliculin; minus strand). Cytogenetic location: 17p11.2.
Variant type: single nucleotide variant.
Coding change: c.-78G>C on transcript NM_144997.7 (MANE Select); 78 bases upstream of the start codon, G replaced by C.
Molecular consequence: 5 prime UTR variant.
Genome position (GRCh38, 1-based): chr17:17,231,847, C>G on the plus strand (G>C on the coding strand, the complement: FLCN is on the minus strand). VCF-style: chr17-17231847-C-G. GRCh37 (hg19) VCF-style: chr17-17135161-C-G.
Other names: c.-78G>C (LRG_325t1, NM_001353229.2, NM_144606.7); c.-361G>C (NM_001353230.2); c.-277G>C (NM_001353231.2).
Identifiers: ClinVar variation 322074 (VCV000322074.7), dbSNP rs147598893, ClinGen allele CA10649614.